The following is an entry in ClinVar:

NM_001113491.2(SEPTIN9):c.545A>G (p.Asp182Gly)

Gene: SEPTIN9 (septin 9; plus strand). Cytogenetic location: 17q25.3.
Variant type: single nucleotide variant.
Coding change: c.545A>G on transcript NM_001113491.2 (MANE Select); coding-DNA position 545, A replaced by G.
Protein change: p.Asp182Gly; replaces aspartic acid 182 with glycine.
Molecular consequence: missense variant.
Genome position (GRCh38, 1-based): chr17:77,402,527, A>G. VCF-style: chr17-77402527-A-G. GRCh37 (hg19) VCF-style: chr17-75398609-A-G.
Other names: c.53A>G, p.Asp18Gly (NM_001113492.2, NM_001113494.1); c.524A>G, p.Asp175Gly (NM_001113493.2); c.488A>G, p.Asp163Gly (NM_001293695.2); c.491A>G, p.Asp164Gly (NM_006640.5); short protein forms D182G, D18G, D164G, D163G, D175G.
Identifiers: ClinVar variation 2994242 (VCV002994242.3), dbSNP rs2509885043, ClinGen allele CA401206375.

ClinVar aggregate classification (germline): Uncertain significance (1 of 4 stars; one submission).

Allele frequency attached by ClinVar (database versions not stated): gnomAD exomes 0.00001.
gnomAD v4.1: 5 of 1,605,998 alleles (0.00031%); highest among the groups gnomAD compares: Non-Finnish European, 0.00034%; no homozygotes.

Submission:

Labcorp Genetics (formerly Invitae), Labcorp
Classification: Uncertain significance. Last evaluated: 2023-11-02. Review status: criteria provided, single submitter. Criteria: Invitae Variant Classification Sherloc (09022015). Collection method: clinical testing. Allele origin: germline.
Comment: This sequence change replaces aspartic acid, which is acidic and polar, with glycine, which is neutral and non-polar, at codon 164 of the SEPT9 protein (p.Asp164Gly). This variant is not present in population databases (gnomAD no frequency). This variant has not been reported in the literature in individuals affected with SEPT9-related conditions. Advanced modeling of protein sequence and biophysical properties (such as structural, functional, and spatial information, amino acid conservation, physicochemical variation, residue mobility, and thermodynamic stability) performed at Invitae indicates that this missense variant is not expected to disrupt SEPT9 protein function with a negative predictive value of 80%. In summary, the available evidence is currently insufficient to determine the role of this variant in disease. Therefore, it has been classified as a Variant of Uncertain Significance.